The following is an entry in ClinVar:

ClinVar aggregate classification (germline): Likely pathogenic. Review status: criteria provided, multiple submitters, no conflicts (2 of 4 stars). 2 submissions from 2 submitters: Likely pathogenic (2). Last evaluated 2025-08-29.

Conditions:
Alport syndrome. Also called: Hemorrhagic familial nephritis; Hemorrhagic hereditary nephritis; Congenital hereditary hematuria. Identifiers: Orphanet 63, MedGen C1567741, MONDO:0018965.

Submissions (2):

Natera, Inc.
Classification: Likely pathogenic for Alport syndrome. Last evaluated: 2025-08-29. Review status: criteria provided, single submitter. Criteria: Natera Variant Classification Schema (03/2026). Collection method: clinical testing. Allele origin: germline.
Comment: The c.3023G>A variant in COL4A4 is a missense variant predicted to cause substitution of glycine to glutamic acid at amino acid 1008. This variant is rare in the general population with a frequency below the threshold expected for the associated phenotype(s). This variant is located in a functionally critical region of the protein. Computational prediction algorithms indicate this variant is likely to affect gene or protein function. Given the available evidence, this variant is classified as Likely Pathogenic.

Labcorp Genetics (formerly Invitae), Labcorp
Classification: Likely pathogenic. Last evaluated: 2024-12-03. Review status: criteria provided, single submitter. Criteria: Invitae Variant Classification Sherloc (09022015). Collection method: clinical testing. Allele origin: germline.
Comment: This sequence change replaces glycine, which is neutral and non-polar, with glutamic acid, which is acidic and polar, at codon 1008 of the COL4A4 protein (p.Gly1008Glu). This variant is not present in population databases (gnomAD no frequency). This missense change has been observed in individual(s) with clinical features of Alport syndrome (internal data). Invitae Evidence Modeling of protein sequence and biophysical properties (such as structural, functional, and spatial information, amino acid conservation, physicochemical variation, residue mobility, and thermodynamic stability) indicates that this missense variant is expected to disrupt COL4A4 protein function with a positive predictive value of 95%. This variant disrupts the p.Gly1008 amino acid residue in COL4A4. Other variant(s) that disrupt this residue have been determined to be pathogenic (PMID: 26809805; internal data). This suggests that this residue is clinically significant, and that variants that disrupt this residue are likely to be disease-causing. In summary, the currently available evidence indicates that the variant is pathogenic, but additional data are needed to prove that conclusively. Therefore, this variant has been classified as Likely Pathogenic.

Literature cited by the submitters: PubMed 26809805 (cited by Labcorp Genetics (formerly Invitae), Labcorp).

NM_000092.5(COL4A4):c.3023G>A (p.Gly1008Glu)

Gene: COL4A4 (collagen type IV alpha 4 chain; minus strand). Cytogenetic location: 2q36.3.
Variant type: single nucleotide variant.
Coding change: c.3023G>A on transcript NM_000092.5 (MANE Select); coding-DNA position 3023, G replaced by A.
Protein change: p.Gly1008Glu; replaces glycine 1008 with glutamic acid.
Molecular consequence: missense variant.
Genome position (GRCh38, 1-based): chr2:227,051,104, C>T on the plus strand (G>A on the coding strand, the complement: COL4A4 is on the minus strand). VCF-style: chr2-227051104-C-T. GRCh37 (hg19) VCF-style: chr2-227915820-C-T.
Other names: short protein forms G1008E.
Identifiers: ClinVar variation 3634122 (VCV003634122.3).
Genomic context (GRCh38, chr2:227,051,104, plus strand): 5'-GGTCCAGGAGGCCCTGGCTGACCTTTCTCACCAGGTTCCCCTCTGTGAAATCCAGGTGGT[C>T]CGTATCTTCCCGGCTCTCCTCTTCTCCCTTGCATCCCGGGAGTTCCTTTATCACCTGATG-3'
Protein context (NP_000083.3, residues 998-1018): QGRRGEPGRY[Gly1008Glu]PPGFHRGEPG